The following is an entry in ClinVar:

ClinVar aggregate classification (germline): Uncertain significance (1 of 4 stars; one submission).

Submission:

GeneDx
Classification: Uncertain significance. Last evaluated: 2025-05-19. Review status: criteria provided, single submitter. Criteria: GeneDx Variant Classification Process June 2021. Collection method: clinical testing. Allele origin: germline. Affected: yes.
Comment: Not observed at significant frequency in large population cohorts (gnomAD); In silico analysis supports that this missense variant has a deleterious effect on protein structure/function; Has not been previously published as pathogenic or benign to our knowledge

NM_152743.4(BRAT1):c.1454C>G (p.Pro485Arg)

Gene: BRAT1 (BRCA1 associated ATM activator 1; minus strand). Cytogenetic location: 7p22.3.
Variant type: single nucleotide variant.
Coding change: c.1454C>G on transcript NM_152743.4 (MANE Select); coding-DNA position 1454, C replaced by G.
Protein change: p.Pro485Arg; replaces proline 485 with arginine.
Molecular consequence: missense variant. On other transcripts: non-coding transcript variant (1).
Genome position (GRCh38, 1-based): chr7:2,539,830, G>C on the plus strand (C>G on the coding strand, the complement: BRAT1 is on the minus strand). VCF-style: chr7-2539830-G-C. GRCh37 (hg19) VCF-style: chr7-2579464-G-C.
Other names: c.1454C>G, p.Pro485Arg (NM_001350626.2); c.929C>G, p.Pro310Arg (NM_001350627.2); short protein forms P310R, P485R.
Identifiers: ClinVar variation 4530904 (VCV004530904.1).
Genomic context (GRCh38, chr7:2,539,830, plus strand): 5'-CAAGGGGCTGCGTTACCTCTGAGGAACTGCGGGATGAGGGGGCCGAGATCAGAGCAGCCG[G>C]GGGTCTTGGGTGAGCTCAGGAGCCACCTGAGCGTGGCCTGGAAGGCCTTCTTCAGAACCT-3'
Protein context (NP_689956.2, residues 475-495): LRWLLSSPKT[Pro485Arg]GCSDLGPLIP